The following is an entry in ClinVar:

NM_000284.4(PDHA1):c.957_959dup (p.Leu320_Lys321insLeu)

Gene: PDHA1 (pyruvate dehydrogenase E1 subunit alpha 1; plus strand). Cytogenetic location: Xp22.12.
Variant type: Duplication.
Coding change: c.957_959dup on transcript NM_000284.4 (MANE Select); coding-DNA positions 957 to 959, 3 bases duplicated (TCT; older notation c.957_959dupTCT).
Protein change: p.Leu320_Lys321insLeu.
Molecular consequence: inframe insertion.
Genome position (GRCh38, 1-based): chrX:19,358,973-19,358,975, TCT duplicated; duplicating any 3 consecutive bases within chrX:19,358,971-19,358,975 gives the same sequence; the c. name uses the placement nearest the transcript's 3' end. VCF-style (leftmost placement, unchanged base first): chrX-19358970-G-GCTT. GRCh37 (hg19) VCF-style: chrX-19377088-G-GCTT.
Other names: c.1071_1073dup, p.Leu358_Lys359insLeu (NM_001173454.2); c.978_980dup, p.Leu327_Lys328insLeu (NM_001173455.2); c.864_866dup, p.Leu289_Lys290insLeu (NM_001173456.2).
Identifiers: ClinVar variation 4070413 (VCV004070413.1).
Genomic context (GRCh38, chrX:19,358,970, plus strand): 5'-CCATAGTTACCGTACACGAGAAGAAATTCAGGAAGTAAGAAGTAAGAGTGACCCTATTAT[G>GCTT]CTTCTCAAGGACAGGATGGTGAACAGCAATCTTGCCAGTGTGGAAGAACTAAAGGTACAG-3'

ClinVar aggregate classification (germline): Pathogenic (0 of 4 stars; one submission).

Conditions:
Pyruvate dehydrogenase E1-alpha deficiency (PDHAD). Also called: ATAXIA, INTERMITTENT, WITH PYRUVATE DEHYDROGENASE DEFICIENCY; ATAXIA WITH LACTIC ACIDOSIS I; ATAXIA, INTERMITTENT, WITH ABNORMAL PYRUVATE METABOLISM; Ataxia, intermittent, with pyruvate dehydrogenase, or decarboxylase, deficiency. Identifiers: Orphanet 79243, MedGen C1839413, MONDO:0010717, OMIM 312170.

Submission:

PDHA1 Study Group, University Children’s Hospital, Paracelsus Medical University
Classification: Pathogenic for Pyruvate dehydrogenase E1-alpha deficiency. Last evaluated: 2024-10-15. Review status: no assertion criteria provided. Collection method: research. Allele origin: de novo. Affected: yes. Observed: 1 variant allele.
Comment: The NM_000284.3:c.957_959dup (p.Leu320dup) change is a deletion-insertion (delins) variant in PDHA1 gene. Among them, 1 case had confirmed de novo occurrence. Last literature search: July 12, 2024. This variant is absent or extremely rare in population-based cohorts in the Genome Aggregation Database (gnomAD). Individuals harboring this variant presented with clinical features compatible with PDHA1-related PDHc deficiency. In summary, this variant meets criteria to be classified as pathogenic (P) for PDHA1-related PDHc deficiency based on the ACMG/AMP criteria applied: PS2, PM1, PM2, PM4 (last assessment October 15, 2024).

Literature cited by the submitters: DOI 10.1093/brain/awaf430.